The following is an entry in ClinVar:

NM_004006.3(DMD):c.4628A>G (p.Glu1543Gly)

Gene: DMD (dystrophin; minus strand). Cytogenetic location: Xp21.1.
Variant type: single nucleotide variant.
Coding change: c.4628A>G on transcript NM_004006.3 (MANE Select); coding-DNA position 4628, A replaced by G.
Protein change: p.Glu1543Gly; replaces glutamic acid 1543 with glycine.
Molecular consequence: missense variant.
Genome position (GRCh38, 1-based): chrX:32,386,356, T>C on the plus strand (A>G on the coding strand, the complement: DMD is on the minus strand). VCF-style: chrX-32386356-T-C. GRCh37 (hg19) VCF-style: chrX-32404473-T-C.
Other names: c.4604A>G, p.Glu1535Gly (NM_000109.4); c.4616A>G, p.Glu1539Gly (NM_004009.3); c.4259A>G, p.Glu1420Gly (NM_004010.3); c.605A>G, p.Glu202Gly (NM_004011.4); c.596A>G, p.Glu199Gly (NM_004012.4); c.4628A>G (NM_004006.2); short protein forms E1543G, E202G, E199G, E1420G, E1535G, E1539G.
Identifiers: ClinVar variation 1488750 (VCV001488750.8), dbSNP rs746681404, ClinGen allele CA10378907.

ClinVar aggregate classification (germline): Conflicting classifications of pathogenicity. Review status: criteria provided, conflicting classifications (1 of 4 stars). 2 submissions from 2 submitters: Uncertain significance (1); Likely benign (1). Last evaluated 2025-06-09.

Conditions:
Duchenne muscular dystrophy (DMD). Also called: Duchenne Muscular Dystrophy (DMD); MUSCULAR DYSTROPHY, PSEUDOHYPERTROPHIC PROGRESSIVE, DUCHENNE TYPE. Identifiers: Orphanet 98896, MedGen C0013264, MONDO:0010679, OMIM 310200.
Cardiovascular phenotype. Identifiers: MedGen CN230736.

Allele frequency attached by ClinVar (database versions not stated): ExAC 0.00001; gnomAD exomes 0.00001.

Submissions (2):

Labcorp Genetics (formerly Invitae), Labcorp
Classification: Uncertain significance for Duchenne muscular dystrophy. Last evaluated: 2025-06-09. Review status: criteria provided, single submitter. Criteria: Invitae Variant Classification Sherloc (09022015). Collection method: clinical testing. Allele origin: germline.
Comment: This sequence change replaces glutamic acid, which is acidic and polar, with glycine, which is neutral and non-polar, at codon 1543 of the DMD protein (p.Glu1543Gly). This variant is present in population databases (rs746681404, gnomAD 0.008%). This variant has not been reported in the literature in individuals affected with DMD-related conditions. ClinVar contains an entry for this variant (Variation ID: 1488750). Invitae Evidence Modeling of protein sequence and biophysical properties (such as structural, functional, and spatial information, amino acid conservation, physicochemical variation, residue mobility, and thermodynamic stability) indicates that this missense variant is not expected to disrupt DMD protein function with a negative predictive value of 95%. In summary, the available evidence is currently insufficient to determine the role of this variant in disease. Therefore, it has been classified as a Variant of Uncertain Significance.

Ambry Genetics
Classification: Likely benign for Cardiovascular phenotype. Last evaluated: 2024-05-10. Review status: criteria provided, single submitter. Criteria: Ambry Variant Classification Scheme 2023. Collection method: clinical testing. Allele origin: germline.